The following is an entry in ClinVar:

NM_001267727.2(ARSG):c.1519C>A (p.Pro507Thr)

Genes: ARSG (arylsulfatase G; plus strand), PRKAR1A (protein kinase cAMP-dependent type I regulatory subunit alpha; plus strand). Cytogenetic location: 17q24.2.
Variant type: single nucleotide variant.
Coding change: c.1519C>A on transcript NM_001267727.2 (MANE Select); coding-DNA position 1519, C replaced by A.
Protein change: p.Pro507Thr; replaces proline 507 with threonine.
Molecular consequence: missense variant. On other transcripts: intron variant (3).
Genome position (GRCh38, 1-based): chr17:68,420,404, C>A. VCF-style: chr17-68420404-C-A. GRCh37 (hg19) VCF-style: chr17-66416545-C-A.
Other names: c.1519C>A, p.Pro507Thr (NM_001352899.2, NM_001352900.2, NM_001352901.2 and 2 more transcripts); c.1516C>A, p.Pro506Thr (NM_001352903.2, NM_001352904.2, NM_001352905.2 and 2 more transcripts); c.1303+18954C>A (NM_001352910.2); c.1255+18954C>A (NM_001352909.2); c.-7+6609C>A (NM_001278433.2); short protein forms P507T, P506T.
Identifiers: ClinVar variation 2118139 (VCV002118139.4), dbSNP rs201796880, ClinGen allele CA293297112.

ClinVar aggregate classification (germline): Uncertain significance (1 of 4 stars; one submission).

Allele frequency attached by ClinVar (database versions not stated): gnomAD exomes below 0.00001.
gnomAD v4.1: 1 of 1,614,194 alleles (0.000062%); highest among the groups gnomAD compares: Non-Finnish European, 0.000085%; no homozygotes.

Submission:

Labcorp Genetics (formerly Invitae), Labcorp
Classification: Uncertain significance. Last evaluated: 2024-11-05. Review status: criteria provided, single submitter. Criteria: Invitae Variant Classification Sherloc (09022015). Collection method: clinical testing. Allele origin: germline.
Comment: This sequence change replaces proline, which is neutral and non-polar, with threonine, which is neutral and polar, at codon 507 of the ARSG protein (p.Pro507Thr). This variant is not present in population databases (gnomAD no frequency). This variant has not been reported in the literature in individuals affected with ARSG-related conditions. ClinVar contains an entry for this variant (Variation ID: 2118139). An algorithm developed to predict the effect of missense changes on protein structure and function (PolyPhen-2) suggests that this variant is likely to be tolerated. In summary, the available evidence is currently insufficient to determine the role of this variant in disease. Therefore, it has been classified as a Variant of Uncertain Significance.